The following is an entry in ClinVar:

NM_173598.6(KSR2):c.1759C>T (p.Arg587Trp)

Gene: KSR2 (kinase suppressor of ras 2; minus strand). Cytogenetic location: 12q24.22.
Variant type: single nucleotide variant.
Coding change: c.1759C>T on transcript NM_173598.6 (MANE Select); coding-DNA position 1759, C replaced by T.
Protein change: p.Arg587Trp; replaces arginine 587 with tryptophan.
Molecular consequence: missense variant.
Genome position (GRCh38, 1-based): chr12:117,530,984, G>A on the plus strand (C>T on the coding strand, the complement: KSR2 is on the minus strand). VCF-style: chr12-117530984-G-A. GRCh37 (hg19) VCF-style: chr12-117968789-G-A.
Other names: short protein forms R587W.
Identifiers: ClinVar variation 2634238 (VCV002634238.4), dbSNP rs549564863, ClinGen allele CA6815915.

ClinVar aggregate classification (germline): Uncertain significance (1 of 4 stars; one submission).

Conditions:
KSR2-related disorder. Also called: KSR2-related condition.

Allele frequency attached by ClinVar (database versions not stated): gnomAD exomes 0.00002; ExAC 0.00004; gnomAD 0.00024; TOPMed 0.00026; 1000 Genomes Project 0.00080; 1000 Genomes Project 30x 0.00094.
gnomAD v4.1: 79 of 1,613,608 alleles (0.0049%); highest among the groups gnomAD compares: Admixed American, 0.077%; no homozygotes.

Submission:

PreventionGenetics, part of Exact Sciences
Classification: Uncertain significance for KSR2-related condition. Last evaluated: 2025-12-07. Review status: criteria provided, single submitter. Criteria: ACMG Guidelines, 2015. Collection method: clinical testing. Allele origin: germline.
Comment: The KSR2 c.1672C>T variant is predicted to result in the amino acid substitution p.Arg558Trp. To our knowledge, this variant has not been reported in the literature. This variant is reported in 0.028% of alleles in individuals of Latino descent in gnomAD. Although we suspect that this variant may be benign, at this time, the clinical significance of this variant is uncertain due to the absence of conclusive functional and genetic evidence.